The following is an entry in ClinVar:

ClinVar aggregate classification (germline): Uncertain significance (1 of 4 stars; one submission).

Submission:

GeneDx
Classification: Uncertain significance. Last evaluated: 2022-02-23. Review status: criteria provided, single submitter. Criteria: GeneDx Variant Classification Process June 2021. Collection method: clinical testing. Allele origin: germline. Affected: yes.
Comment: Has not been previously published as pathogenic or benign to our knowledge; Not observed at significant frequency in large population cohorts (gnomAD); In silico analysis supports that this missense variant has a deleterious effect on protein structure/function

NM_007118.4(TRIO):c.6203C>T (p.Ser2068Phe)

Gene: TRIO (trio Rho guanine nucleotide exchange factor; plus strand). Cytogenetic location: 5p15.2.
Variant type: single nucleotide variant.
Coding change: c.6203C>T on transcript NM_007118.4 (MANE Select); coding-DNA position 6203, C replaced by T.
Protein change: p.Ser2068Phe; replaces serine 2068 with phenylalanine.
Molecular consequence: missense variant. On other transcripts: non-coding transcript variant (1).
Genome position (GRCh38, 1-based): chr5:14,479,310, C>T. VCF-style: chr5-14479310-C-T. GRCh37 (hg19) VCF-style: chr5-14479419-C-T.
Other names: short protein forms S2068F.
Identifiers: ClinVar variation 1703390 (VCV001703390.2), dbSNP rs2477352159, ClinGen allele CA359233886.